The following is an entry in ClinVar:

NM_182914.3(SYNE2):c.15440T>C (p.Met5147Thr)

Gene: SYNE2 (spectrin repeat containing nuclear envelope protein 2; plus strand). Cytogenetic location: 14q23.2.
Variant type: single nucleotide variant.
Coding change: c.15440T>C on transcript NM_182914.3 (MANE Select); coding-DNA position 15440, T replaced by C.
Protein change: p.Met5147Thr; replaces methionine 5147 with threonine.
Molecular consequence: missense variant.
Genome position (GRCh38, 1-based): chr14:64,143,905, T>C. VCF-style: chr14-64143905-T-C. GRCh37 (hg19) VCF-style: chr14-64610623-T-C.
Other names: c.15440T>C, p.Met5147Thr (NM_015180.6); short protein forms M5147T.
Identifiers: ClinVar variation 432870 (VCV000432870.2), dbSNP rs934080864, ClinGen allele CA261814397.
Genomic context (GRCh38, chr14:64,143,905, plus strand): 5'-CCTGTGATGTAGAAAGCAAGCGCTATGAAAGAACGGAGTTTGCAGAGCACCTGGGGGAGA[T>C]GAACCGCCAGTGGCACCGTGTACATGGAATGCTGAATAGAAAGGTGTGTTCCTGCGTCAC-3'
Protein context (NP_878918.2, residues 5137-5157): RTEFAEHLGE[Met5147Thr]NRQWHRVHGM

ClinVar aggregate classification (germline): Uncertain significance (1 of 4 stars; one submission).

Allele frequency attached by ClinVar (database versions not stated): TOPMed below 0.00001; gnomAD 0.00001 and 0.00003.
gnomAD v4.1: 2 of 1,613,996 alleles (0.00012%); highest among the groups gnomAD compares: African/African-American, 0.0027%; no homozygotes.

Submission:

GeneDx
Classification: Uncertain significance. Last evaluated: 2017-06-21. Review status: criteria provided, single submitter. Criteria: GeneDx Variant Classification (06012015). Collection method: clinical testing. Allele origin: germline. Affected: yes.
Comment: The M5147T variant in the SYNE2 gene gene has not been reported previously as a pathogenic variant, nor as a benign variant, to our knowledge. This variant is not observed in large population cohorts (Lek et al., 2016; 1000 Genomes Consortium et al., 2015; Exome Variant Server). The M5147T variant is a non-conservative amino acid substitution, which is likely to impact secondary protein structure as these residues differ in polarity, charge, size and/or other properties. This substitution occurs at a position that is conserved across species. In silico analysis predicts this variant is probably damaging to the protein structure/function. We interpret M5147T as a variant of uncertain significance.